The following is an entry in ClinVar:

ClinVar aggregate classification (germline): Pathogenic (1 of 4 stars; one submission).

Allele frequency attached by ClinVar (database versions not stated): gnomAD exomes below 0.00001 and 0.00001; ExAC 0.00001; gnomAD 0.00001; TOPMed 0.00001.
gnomAD v4.1: 9 of 1,590,764 alleles (0.00057%); highest among the groups gnomAD compares: Admixed American, 0.0034%; no homozygotes.

Submission:

Labcorp Genetics (formerly Invitae), Labcorp
Classification: Pathogenic. Last evaluated: 2019-10-15. Review status: criteria provided, single submitter. Criteria: Invitae Variant Classification Sherloc (09022015). Collection method: clinical testing. Allele origin: germline.
Comment: For these reasons, this variant has been classified as Pathogenic. Loss-of-function variants in CIB2 are known to be pathogenic (PMID: 26173970, 26226137, 26445815). This variant has not been reported in the literature in individuals with CIB2-related conditions. This variant is present in population databases (rs757748764, ExAC 0.002%). This sequence change creates a premature translational stop signal (p.Tyr16*) in the CIB2 gene. It is expected to result in an absent or disrupted protein product.

Literature cited by the submitters: PubMed 26173970; PubMed 26226137; PubMed 26445815.

NM_006383.4(CIB2):c.48C>G (p.Tyr16Ter)

Genes: CIB2 (calcium and integrin binding family member 2; minus strand), LOC130057683 (ATAC-STARR-seq lymphoblastoid silent region 6705; plus strand). Cytogenetic location: 15q25.1.
Variant type: single nucleotide variant.
Coding change: c.48C>G on transcript NM_006383.4 (MANE Select); coding-DNA position 48, C replaced by G.
Protein change: p.Tyr16Ter; replaces tyrosine 16 with a stop codon.
Molecular consequence: nonsense. On other transcripts: 5 prime UTR variant (1), non-coding transcript variant (1).
Genome position (GRCh38, 1-based): chr15:78,131,168, G>C on the plus strand (C>G on the coding strand, the complement: CIB2 is on the minus strand). VCF-style: chr15-78131168-G-C. GRCh37 (hg19) VCF-style: chr15-78423510-G-C.
Other names: c.-47C>G (NM_001271888.2); c.48C>G, p.Tyr16Ter (NM_001271889.2, NM_001301224.2); short protein forms Y16*.
Identifiers: ClinVar variation 950983 (VCV000950983.8), dbSNP rs757748764, ClinGen allele CA7680396.